The following is an entry in ClinVar:

ClinVar aggregate classification (germline): Uncertain significance (1 of 4 stars; one submission).

Conditions:
Inborn genetic diseases. Identifiers: MedGen C0950123, MeSH D030342.

Submission:

Ambry Genetics
Classification: Uncertain significance for Inborn genetic diseases. Last evaluated: 2022-07-05. Review status: criteria provided, single submitter. Criteria: Ambry Variant Classification Scheme 2023. Collection method: clinical testing. Allele origin: germline.
Comment: The p.I1448T variant (also known as c.4343T>C), located in coding exon 31 of the LRRK2 gene, results from a T to C substitution at nucleotide position 4343. The isoleucine at codon 1448 is replaced by threonine, an amino acid with similar properties. This amino acid position is conserved. In addition, this alteration is predicted to be deleterious by in silico analysis. Since supporting evidence is limited at this time, the clinical significance of this alteration remains unclear.

NM_198578.4(LRRK2):c.4343T>C (p.Ile1448Thr)

Gene: LRRK2 (leucine rich repeat kinase 2; plus strand). Cytogenetic location: 12q12.
Variant type: single nucleotide variant.
Coding change: c.4343T>C on transcript NM_198578.4 (MANE Select); coding-DNA position 4343, T replaced by C.
Protein change: p.Ile1448Thr; replaces isoleucine 1448 with threonine.
Molecular consequence: missense variant.
Genome position (GRCh38, 1-based): chr12:40,310,456, T>C. VCF-style: chr12-40310456-T-C. GRCh37 (hg19) VCF-style: chr12-40704258-T-C.
Other names: short protein forms I1448T.
Identifiers: ClinVar variation 1739875 (VCV001739875.2), dbSNP rs2499826885, ClinGen allele CA384418298.